The following is an entry in ClinVar:

ClinVar aggregate classification (germline): Pathogenic (1 of 4 stars; one submission).

Conditions:
X-linked lymphoproliferative disease due to SH2D1A deficiency (XLP1). Also called: EBV infection severe susceptibility to; Epstein Barr virus infection familial fatal; Duncan's syndrome; DUNCAN DISEASE; IMMUNODEFICIENCY 5; IMMUNODEFICIENCY, X-LINKED PROGRESSIVE COMBINED VARIABLE. Identifiers: Orphanet 2442, Orphanet 538931, MedGen C5399825, MONDO:0024551, OMIM 308240.

Submission:

Labcorp Genetics (formerly Invitae), Labcorp
Classification: Pathogenic for X-linked lymphoproliferative disease due to SH2D1A deficiency. Last evaluated: 2025-12-11. Review status: criteria provided, single submitter. Criteria: Invitae Variant Classification Sherloc (09022015). Collection method: clinical testing. Allele origin: germline.
Comment: This sequence change creates a premature translational stop signal (p.Cys42*) in the SH2D1A gene. It is expected to result in an absent or disrupted protein product. Loss-of-function variants in SH2D1A are known to be pathogenic (PMID: 9771704, 11049992, 15711562). This variant is not present in population databases (gnomAD no frequency). This variant has not been reported in the literature in individuals affected with SH2D1A-related conditions. ClinVar contains an entry for this variant (Variation ID: 2706624). Algorithms developed to predict the effect of sequence changes on RNA splicing suggest that this variant may disrupt the consensus splice site. For these reasons, this variant has been classified as Pathogenic.

Literature cited by the submitters: PubMed 9771704; PubMed 11049992; PubMed 15711562.

NM_002351.5(SH2D1A):c.126C>A (p.Cys42Ter)

Gene: SH2D1A (SH2 domain containing 1A; plus strand). Cytogenetic location: Xq25.
Variant type: single nucleotide variant.
Coding change: c.126C>A on transcript NM_002351.5 (MANE Select); coding-DNA position 126, C replaced by A.
Protein change: p.Cys42Ter; replaces cysteine 42 with a stop codon.
Molecular consequence: nonsense.
Genome position (GRCh38, 1-based): chrX:124,346,768, C>A. VCF-style: chrX-124346768-C-A. GRCh37 (hg19) VCF-style: chrX-123480618-C-A.
Other names: c.126C>A, p.Cys42Ter (NM_001114937.3); short protein forms C42*.
Identifiers: ClinVar variation 2706624 (VCV002706624.3), dbSNP rs2522797441, ClinGen allele CA414122441.